The following is an entry in ClinVar:

ClinVar aggregate classification (germline): Pathogenic (1 of 4 stars; one submission).

Conditions:
Nephronophthisis. Also called: Juvenile Nephronophthisis. Identifiers: Orphanet 655, MedGen C0687120, MONDO:0019005, HP:0000090.

gnomAD v4.1: 1 of 1,613,900 alleles (0.000062%); highest among the groups gnomAD compares: Non-Finnish European, 0.000085%; no homozygotes.

Submission:

Labcorp Genetics (formerly Invitae), Labcorp
Classification: Pathogenic for Nephronophthisis. Last evaluated: 2024-03-09. Review status: criteria provided, single submitter. Criteria: Invitae Variant Classification Sherloc (09022015). Collection method: clinical testing. Allele origin: germline.
Comment: This sequence change creates a premature translational stop signal (p.Trp25*) in the NPHP4 gene. It is expected to result in an absent or disrupted protein product. Loss-of-function variants in NPHP4 are known to be pathogenic (PMID: 12205563, 23559409). This variant is not present in population databases (gnomAD no frequency). This variant has not been reported in the literature in individuals affected with NPHP4-related conditions. For these reasons, this variant has been classified as Pathogenic.

Literature cited by the submitters: PubMed 12205563; PubMed 23559409.

NM_015102.5(NPHP4):c.75G>A (p.Trp25Ter)

Gene: NPHP4 (nephrocystin 4; minus strand). Cytogenetic location: 1p36.31.
Variant type: single nucleotide variant.
Coding change: c.75G>A on transcript NM_015102.5 (MANE Select); coding-DNA position 75, G replaced by A.
Protein change: p.Trp25Ter; replaces tryptophan 25 with a stop codon.
Molecular consequence: nonsense. On other transcripts: 5 prime UTR variant (1), non-coding transcript variant (1), intron variant (1).
Genome position (GRCh38, 1-based): chr1:5,986,215, C>T on the plus strand (G>A on the coding strand, the complement: NPHP4 is on the minus strand). VCF-style: chr1-5986215-C-T. GRCh37 (hg19) VCF-style: chr1-6046275-C-T.
Other names: c.-1155G>A (NM_001291593.2); c.-1088+6029G>A (NM_001291594.2); short protein forms W25*.
Identifiers: ClinVar variation 3645195 (VCV003645195.2).